The following is an entry in ClinVar:

NM_001040108.2(MLH3):c.3006T>G (p.Ser1002Arg)

Gene: MLH3 (mutL homolog 3; minus strand). Cytogenetic location: 14q24.3.
Variant type: single nucleotide variant.
Coding change: c.3006T>G on transcript NM_001040108.2 (MANE Select); coding-DNA position 3006, T replaced by G.
Protein change: p.Ser1002Arg; replaces serine 1002 with arginine.
Molecular consequence: missense variant.
Genome position (GRCh38, 1-based): chr14:75,046,650, A>C on the plus strand (T>G on the coding strand, the complement: MLH3 is on the minus strand). VCF-style: chr14-75046650-A-C. GRCh37 (hg19) VCF-style: chr14-75513353-A-C.
Other names: c.3006T>G, p.Ser1002Arg (NM_014381.3); short protein forms S1002R.
Identifiers: ClinVar variation 4055510 (VCV004055510.1).

ClinVar aggregate classification (germline): Uncertain significance (1 of 4 stars; one submission).

gnomAD v4.1: 2 of 1,614,172 alleles (0.00012%); highest among the groups gnomAD compares: South Asian, 0.0022%; no homozygotes.

Submission:

Ambry Genetics
Classification: Uncertain significance. Last evaluated: 2025-05-27. Review status: criteria provided, single submitter. Criteria: Ambry Variant Classification Scheme 2023. Collection method: clinical testing. Allele origin: germline.
Comment: The p.S1002R variant (also known as c.3006T>G), located in coding exon 1 of the MLH3 gene, results from a T to G substitution at nucleotide position 3006. The serine at codon 1002 is replaced by arginine, an amino acid with dissimilar properties. This amino acid position is conserved. In addition, this alteration is predicted to be tolerated by in silico analysis. Based on the available evidence, the clinical significance of this variant remains unclear.